The following is an entry in ClinVar:

NM_001164508.2(NEB):c.9974G>A (p.Trp3325Ter)

Gene: NEB (nebulin; minus strand). Cytogenetic location: 2q23.3.
Variant type: single nucleotide variant.
Coding change: c.9974G>A on transcript NM_001164508.2 (MANE Select); coding-DNA position 9974, G replaced by A.
Protein change: p.Trp3325Ter; replaces tryptophan 3325 with a stop codon.
Molecular consequence: nonsense.
Genome position (GRCh38, 1-based): chr2:151,627,692, C>T on the plus strand (G>A on the coding strand, the complement: NEB is on the minus strand). VCF-style: chr2-151627692-C-T. GRCh37 (hg19) VCF-style: chr2-152484206-C-T.
Other names: c.9974G>A, p.Trp3325Ter (NM_001164507.2, NM_001271208.2); c.9245G>A, p.Trp3082Ter (NM_004543.5); short protein forms W3082*, W3325*.
Identifiers: ClinVar variation 3239909 (VCV003239909.3), dbSNP rs2552236697.

ClinVar aggregate classification (germline): Pathogenic/Likely pathogenic. Review status: criteria provided, multiple submitters, no conflicts (2 of 4 stars). 2 submissions from 2 submitters: Pathogenic (1); Likely pathogenic (1). Last evaluated 2024-07-02.

Conditions:
Arthrogryposis multiplex congenita 6. Identifiers: MedGen C5543431, MONDO:0030281, OMIM 619334.
Nemaline myopathy 2 (NEM2). Also called: Nemaline myopathy 2, autosomal recessive. Identifiers: MedGen C1850569, MONDO:0009725, OMIM 256030.

Submissions (2):

Labcorp Genetics (formerly Invitae), Labcorp
Classification: Pathogenic for Nemaline myopathy 2. Last evaluated: 2024-07-02. Review status: criteria provided, single submitter. Criteria: Invitae Variant Classification Sherloc (09022015). Collection method: clinical testing. Allele origin: germline.
Comment: This sequence change creates a premature translational stop signal (p.Trp3325*) in the NEB gene. It is expected to result in an absent or disrupted protein product. Loss-of-function variants in NEB are known to be pathogenic (PMID: 25205138). This variant is not present in population databases (gnomAD no frequency). This variant has not been reported in the literature in individuals affected with NEB-related conditions. For these reasons, this variant has been classified as Pathogenic.

Baylor Genetics
Classification: Likely pathogenic for Arthrogryposis multiplex congenita 6. Last evaluated: 2023-11-22. Review status: criteria provided, single submitter. Criteria: ACMG Guidelines, 2015. Collection method: clinical testing. Allele origin: unknown.

Literature cited by the submitters: PubMed 25205138 (cited by Labcorp Genetics (formerly Invitae), Labcorp).